The following is an entry in ClinVar:

NM_001696.4(ATP6V1E1):c.354A>G (p.Gly118=)

Gene: ATP6V1E1 (ATPase H+ transporting V1 subunit E1; minus strand). Cytogenetic location: 22q11.21.
Variant type: single nucleotide variant.
Coding change: c.354A>G on transcript NM_001696.4 (MANE Select); coding-DNA position 354, A replaced by G.
Protein change: p.Gly118=; no amino-acid change (glycine 118 retained).
Molecular consequence: synonymous variant. On other transcripts: intron variant (1).
Genome position (GRCh38, 1-based): chr22:17,601,104, T>C on the plus strand (A>G on the coding strand, the complement: ATP6V1E1 is on the minus strand). VCF-style: chr22-17601104-T-C. GRCh37 (hg19) VCF-style: chr22-18083870-T-C.
Other names: c.288A>G, p.Gly96= (NM_001039366.1); c.277-1009A>G (NM_001039367.1).
Identifiers: ClinVar variation 3898776 (VCV003898776.1).

ClinVar aggregate classification (germline): Uncertain significance (1 of 4 stars; one submission).

Submission:

GeneDx
Classification: Uncertain significance. Last evaluated: 2024-11-08. Review status: criteria provided, single submitter. Criteria: GeneDx Variant Classification Process June 2021. Collection method: clinical testing. Allele origin: germline. Affected: yes.
Comment: Not observed at significant frequency in large population cohorts (gnomAD); Has not been previously published as pathogenic or benign to our knowledge; In silico analysis suggests this variant may impact gene splicing. In the absence of RNA/functional studies, the actual effect of this sequence change is unknown.